The following is an entry in ClinVar:

ClinVar aggregate classification (germline): Uncertain significance (1 of 4 stars; one submission).

Allele frequency attached by ClinVar (database versions not stated): TOPMed 0.00001.
gnomAD v4.1: 1 of 1,613,902 alleles (0.000062%); highest among the groups gnomAD compares: African/African-American, 0.0013%; no homozygotes.

Submission:

Women's Health and Genetics/Laboratory Corporation of America, LabCorp
Classification: Uncertain significance. Last evaluated: 2024-04-25. Review status: criteria provided, single submitter. Criteria: LabCorp Variant Classification Summary - May 2015. Collection method: clinical testing. Allele origin: germline.
Comment: Variant summary: KIF14 c.2862G>A (p.Met954Ile) results in a conservative amino acid change in the encoded protein sequence. Four of five in-silico tools predict a benign effect of the variant on protein function. The variant was absent in 251146 control chromosomes. The available data on variant occurrences in the general population are insufficient to allow any conclusion about variant significance. To our knowledge, no occurrence of c.2862G>A in individuals affected with Microcephaly 20, Primary, Autosomal Recessive and no experimental evidence demonstrating its impact on protein function have been reported. No submitters have cited clinical-significance assessments for this variant to ClinVar. Based on the evidence outlined above, the variant was classified as uncertain significance.

NM_014875.3(KIF14):c.2862G>A (p.Met954Ile)

Gene: KIF14 (kinesin family member 14; minus strand). Cytogenetic location: 1q32.1.
Variant type: single nucleotide variant.
Coding change: c.2862G>A on transcript NM_014875.3 (MANE Select); coding-DNA position 2862, G replaced by A.
Protein change: p.Met954Ile; replaces methionine 954 with isoleucine.
Molecular consequence: missense variant.
Genome position (GRCh38, 1-based): chr1:200,590,224, C>T on the plus strand (G>A on the coding strand, the complement: KIF14 is on the minus strand). VCF-style: chr1-200590224-C-T. GRCh37 (hg19) VCF-style: chr1-200559352-C-T.
Other names: c.1389G>A, p.Met463Ile (NM_001305792.1); short protein forms M463I, M954I.
Identifiers: ClinVar variation 3251696 (VCV003251696.1), dbSNP rs1658984241.